The following is an entry in ClinVar:

NM_000500.9(CYP21A2):c.1192G>A (p.Val398Ile)

Genes: CYP21A2 (cytochrome P450 family 21 subfamily A member 2; plus strand), LOC106780800 (CYP21A2 recombination region; plus strand). Cytogenetic location: 6p21.33.
Variant type: single nucleotide variant.
Coding change: c.1192G>A on transcript NM_000500.9 (MANE Select); coding-DNA position 1192, G replaced by A.
Protein change: p.Val398Ile; replaces valine 398 with isoleucine.
Molecular consequence: missense variant.
Genome position (GRCh38, 1-based): chr6:32,040,741, G>A. VCF-style: chr6-32040741-G-A. GRCh37 (hg19) VCF-style: chr6-32008518-G-A.
Other names: c.1102G>A, p.Val368Ile (NM_001128590.4); c.787G>A, p.Val263Ile (NM_001368143.2, NM_001368144.2); short protein forms V263I, V368I, V398I.
Identifiers: ClinVar variation 3056254 (VCV003056254.2), dbSNP rs763395640, ClinGen allele CA3732666.

ClinVar aggregate classification (germline): Uncertain significance (0 of 4 stars; one submission).

Conditions:
CYP21A2-related disorder. Also called: CYP21A2-related condition.

Allele frequency attached by ClinVar (database versions not stated): ExAC 0.00001; gnomAD 0.00001.

Submission:

PreventionGenetics, part of Exact Sciences
Classification: Uncertain significance for CYP21A2-related condition. Last evaluated: 2023-12-09. Review status: no assertion criteria provided. Collection method: clinical testing. Allele origin: germline.
Comment: The CYP21A2 c.1192G>A variant is predicted to result in the amino acid substitution p.Val398Ile. To our knowledge, this variant has not been reported in the literature. This variant is reported in 0.0019% of alleles in individuals of European (Non-Finnish) descent in gnomAD. This variant falls within a highly paralogous region. Allele frequency data should be interpreted with caution. At this time, the clinical significance of this variant is uncertain due to the absence of conclusive functional and genetic evidence.